The following is an entry in ClinVar:

NM_000497.4(CYP11B1):c.879_890delinsGTCGCCAGAT (p.Leu294fs)

Genes: CYP11B1 (cytochrome P450 family 11 subfamily B member 1; minus strand), LOC106799833 (CYP11B1 recombination region; plus strand). Cytogenetic location: 8q24.3.
Variant type: Indel.
Coding change: c.879_890delinsGTCGCCAGAT on transcript NM_000497.4 (MANE Select); coding-DNA positions 879 to 890, CCTGTTGAATGC replaced by GTCGCCAGAT.
Protein change: p.Leu294fs; shifts the reading frame from leucine 294.
Molecular consequence: frameshift variant.
Genome position (GRCh38, 1-based): chr8:142,876,305-142,876,316, GCATTCAACAGG replaced by ATCTGGCGAC on the plus strand (CCTGTTGAATGC replaced by GTCGCCAGAT on the coding strand, the reverse complement: CYP11B1 is on the minus strand). VCF-style: chr8-142876305-GCATTCAACAGG-ATCTGGCGAC. GRCh37 (hg19) VCF-style: chr8-143957721-GCATTCAACAGG-ATCTGGCGAC.
Other names: c.879_890delinsGTCGCCAGAT, p.Leu294fs (NM_001026213.1); short protein forms L294fs.
Identifiers: ClinVar variation 2903823 (VCV002903823.3), dbSNP rs2488677448, ClinGen allele CA2739269019.
Genomic context (GRCh38, chr8:142,876,305, plus strand): 5'-TCCACGCTCCCTGCAGTGAGTTCCATAGAGTTGGCCTTGATGGCATCTGGCGACAGTTCC[GCATTCAACAGG>ATCTGGCGAC]AGCTCCGCCACGATGCTGGTGTACTGTTGAGGGCGGCTGAAGGCCAGTTCCTGATAGATT-3'

ClinVar aggregate classification (germline): Pathogenic (1 of 4 stars; one submission).

Submission:

Labcorp Genetics (formerly Invitae), Labcorp
Classification: Pathogenic. Last evaluated: 2023-02-03. Review status: criteria provided, single submitter. Criteria: Invitae Variant Classification Sherloc (09022015). Collection method: clinical testing. Allele origin: germline.
Comment: This sequence change creates a premature translational stop signal (p.Leu294Serfs*35) in the CYP11B1 gene. It is expected to result in an absent or disrupted protein product. Loss-of-function variants in CYP11B1 are known to be pathogenic (PMID: 8506298, 26476331). Information on the frequency of this variant in the gnomAD database is not available, as this variant may be reported differently in the database. This variant has not been reported in the literature in individuals affected with CYP11B1-related conditions. For these reasons, this variant has been classified as Pathogenic.

Literature cited by the submitters: PubMed 8506298; PubMed 26476331.